The following is an entry in ClinVar:

NM_004006.3(DMD):c.595G>C (p.Ala199Pro)

Gene: DMD (dystrophin; minus strand). Cytogenetic location: Xp21.1.
Variant type: single nucleotide variant.
Coding change: c.595G>C on transcript NM_004006.3 (MANE Select); coding-DNA position 595, G replaced by C.
Protein change: p.Ala199Pro; replaces alanine 199 with proline.
Molecular consequence: missense variant.
Genome position (GRCh38, 1-based): chrX:32,809,547, C>G on the plus strand (G>C on the coding strand, the complement: DMD is on the minus strand). VCF-style: chrX-32809547-C-G. GRCh37 (hg19) VCF-style: chrX-32827664-C-G.
Other names: c.571G>C, p.Ala191Pro (NM_000109.4); c.583G>C, p.Ala195Pro (NM_004009.3); c.226G>C, p.Ala76Pro (NM_004010.3); short protein forms A199P, A191P, A195P, A76P.
Identifiers: ClinVar variation 409941 (VCV000409941.9), dbSNP rs1060502660, ClinGen allele CA16616510.

ClinVar aggregate classification (germline): Uncertain significance (1 of 4 stars; one submission).

Conditions:
Duchenne muscular dystrophy (DMD). Also called: MUSCULAR DYSTROPHY, PSEUDOHYPERTROPHIC PROGRESSIVE, DUCHENNE TYPE; Duchenne Muscular Dystrophy (DMD). Identifiers: Orphanet 98896, MedGen C0013264, MONDO:0010679, OMIM 310200.

Submission:

Labcorp Genetics (formerly Invitae), Labcorp
Classification: Uncertain significance for Duchenne muscular dystrophy. Last evaluated: 2016-10-04. Review status: criteria provided, single submitter. Criteria: Invitae Variant Classification Sherloc (09022015). Collection method: clinical testing. Allele origin: germline.
Comment: In summary, this variant is a novel missense change with uncertain impact on protein function. It has been classified as a Variant of Uncertain Significance. Algorithms developed to predict the effect of missense changes on protein structure and function (SIFT, PolyPhen-2, Align-GVGD) all suggest that this variant is likely to be disruptive, but these predictions have not been confirmed by published functional studies. This variant is not present in population databases (ExAC no frequency) and has not been reported in the literature in individuals with a DMD-related disease. This sequence change replaces alanine with proline at codon 199 of the DMD protein (p.Ala199Pro). The alanine residue is highly conserved and there is a small physicochemical difference between alanine and proline.